The following is an entry in ClinVar:

ClinVar aggregate classification (germline): Uncertain significance (1 of 4 stars; one submission).

Conditions:
Neurofibromatosis, type 1 (NF1). Also called: VON RECKLINGHAUSEN DISEASE; Neurofibromatosis, type I; NEUROFIBROMATOSIS, TYPE I, SOMATIC; Peripheral type neurofibromatosis. Identifiers: Orphanet 636, MedGen C0027831, MONDO:0018975, OMIM 162200. Disease mechanism: loss of function.

Submission:

Labcorp Genetics (formerly Invitae), Labcorp
Classification: Uncertain significance for Neurofibromatosis, type 1. Last evaluated: 2025-03-29. Review status: criteria provided, single submitter. Criteria: Invitae Variant Classification Sherloc (09022015). Collection method: clinical testing. Allele origin: germline.
Comment: This sequence change replaces glutamic acid, which is acidic and polar, with valine, which is neutral and non-polar, at codon 247 of the NF1 protein (p.Glu247Val). This variant is not present in population databases (gnomAD no frequency). This variant has not been reported in the literature in individuals affected with NF1-related conditions. ClinVar contains an entry for this variant (Variation ID: 2195846). Invitae Evidence Modeling of protein sequence and biophysical properties (such as structural, functional, and spatial information, amino acid conservation, physicochemical variation, residue mobility, and thermodynamic stability) indicates that this missense variant is expected to disrupt NF1 protein function with a positive predictive value of 95%. In summary, the available evidence is currently insufficient to determine the role of this variant in disease. Therefore, it has been classified as a Variant of Uncertain Significance.

NM_001042492.3(NF1):c.740A>T (p.Glu247Val)

Gene: NF1 (neurofibromin 1; plus strand). Cytogenetic location: 17q11.2.
Variant type: single nucleotide variant.
Coding change: c.740A>T on transcript NM_001042492.3 (MANE Select); coding-DNA position 740, A replaced by T.
Protein change: p.Glu247Val; replaces glutamic acid 247 with valine.
Molecular consequence: missense variant.
Genome position (GRCh38, 1-based): chr17:31,182,517, A>T. VCF-style: chr17-31182517-A-T. GRCh37 (hg19) VCF-style: chr17-29509535-A-T.
Other names: c.740A>T, p.Glu247Val (NM_000267.4, NM_001128147.3); short protein forms E247V.
Identifiers: ClinVar variation 2195846 (VCV002195846.4), dbSNP rs864622385, ClinGen allele CA398990522.
Genomic context (GRCh38, chr17:31,182,517, plus strand): 5'-CAGGGATTTTGTTCCTATCTAATAATGTCATTTAATATATTTTTCATGCAGAATGTGCAG[A>T]AAAGCTATTTGACTTGGTGGATGGTTTTGCTGAAAGCACCAAACGTAAAGCAGCAGTTTG-3'
Protein context (NP_001035957.1, residues 237-257): IPQTDMAECA[Glu247Val]KLFDLVDGFA